The following is an entry in ClinVar:

ClinVar aggregate classification (germline): Uncertain significance. Review status: criteria provided, multiple submitters, no conflicts (2 of 4 stars). 2 submissions from 2 submitters: Uncertain significance (2). Last evaluated 2025-01-02.

Conditions:
Neutropenia, severe congenital, 2, autosomal dominant. Identifiers: Orphanet 486, MedGen C2751288, MONDO:0013139, OMIM 613107.

Allele frequency attached by ClinVar (database versions not stated): gnomAD exomes 0.00001.
gnomAD v4.1: 17 of 1,614,064 alleles (0.0011%); highest among the groups gnomAD compares: Non-Finnish European, 0.0013%; no homozygotes.

Submissions (2):

Ambry Genetics
Classification: Uncertain significance. Last evaluated: 2025-01-02. Review status: criteria provided, single submitter. Criteria: Ambry Variant Classification Scheme 2023. Collection method: clinical testing. Allele origin: germline.
Comment: The p.G397V variant (also known as c.1190G>T), located in coding exon 6 of the GFI1 gene, results from a G to T substitution at nucleotide position 1190. The glycine at codon 397 is replaced by valine, an amino acid with dissimilar properties. This amino acid position is conserved. In addition, this alteration is predicted to be tolerated by in silico analysis. Based on the available evidence, the clinical significance of this variant remains unclear.

Labcorp Genetics (formerly Invitae), Labcorp
Classification: Uncertain significance for Neutropenia, severe congenital, 2, autosomal dominant. Last evaluated: 2022-04-11. Review status: criteria provided, single submitter. Criteria: Invitae Variant Classification Sherloc (09022015). Collection method: clinical testing. Allele origin: germline.
Comment: In summary, the available evidence is currently insufficient to determine the role of this variant in disease. Therefore, it has been classified as a Variant of Uncertain Significance. Algorithms developed to predict the effect of missense changes on protein structure and function are either unavailable or do not agree on the potential impact of this missense change (SIFT: "Deleterious"; PolyPhen-2: "Probably Damaging"; Align-GVGD: "Class C0"). This variant has not been reported in the literature in individuals affected with GFI1-related conditions. This variant is not present in population databases (gnomAD no frequency). This sequence change replaces glycine, which is neutral and non-polar, with valine, which is neutral and non-polar, at codon 397 of the GFI1 protein (p.Gly397Val).

NM_005263.5(GFI1):c.1190G>T (p.Gly397Val)

Genes: GFI1 (growth factor independent 1 transcriptional repressor; minus strand), LOC129930930 (ATAC-STARR-seq lymphoblastoid active region 1314; plus strand). Cytogenetic location: 1p22.1.
Variant type: single nucleotide variant.
Coding change: c.1190G>T on transcript NM_005263.5 (MANE Select); coding-DNA position 1190, G replaced by T.
Protein change: p.Gly397Val; replaces glycine 397 with valine.
Molecular consequence: missense variant.
Genome position (GRCh38, 1-based): chr1:92,476,108, C>A on the plus strand (G>T on the coding strand, the complement: GFI1 is on the minus strand). VCF-style: chr1-92476108-C-A. GRCh37 (hg19) VCF-style: chr1-92941665-C-A.
Other names: c.1190G>T, p.Gly397Val (NM_001127215.3, NM_001127216.3); short protein forms G397V.
Identifiers: ClinVar variation 1931885 (VCV001931885.6), dbSNP rs1657956373, ClinGen allele CA341147755.